The following is an entry in ClinVar:

ClinVar aggregate classification (germline): Benign. Review status: criteria provided, multiple submitters, no conflicts (2 of 4 stars). 6 submissions from 6 submitters: Benign (5). 1 of the submissions does not count toward it. Last evaluated 2026-02-04.

Conditions:
Abetalipoproteinaemia (ABL). Also called: MTP DEFICIENCY; Abetalipoproteinemia; Abetalipoproteinemia neuropathy; Apolipoprotein B deficiency; Congenital betalipoprotein deficiency syndrome. Identifiers: Orphanet 14, MedGen C0000744, MONDO:0008692, OMIM 200100, HP:0008181.

Allele frequency attached by ClinVar (database versions not stated): gnomAD exomes 0.04242 and 0.04343; ExAC 0.04590; gnomAD 0.07183 and 0.07507; 1000 Genomes Project 0.07208; 1000 Genomes Project 30x 0.07448; TOPMed 0.07691; ESP Exome Variant Server 0.08042.
gnomAD v4.1: 73,258 of 1,613,968 alleles (4.5%); highest among the groups gnomAD compares: African/African-American, 16%; 2,419 homozygotes.

Submissions (6):

Labcorp Genetics (formerly Invitae), Labcorp
Classification: Benign. Last evaluated: 2026-02-04. Review status: criteria provided, single submitter. Criteria: Invitae Variant Classification Sherloc (09022015). Collection method: clinical testing. Allele origin: germline.

Mayo Clinic Laboratories, Mayo Clinic
Classification: Benign. Last evaluated: 2022-04-26. Review status: criteria provided, single submitter. Criteria: ACMG Guidelines, 2015. Collection method: clinical testing. Allele origin: germline. Observed: 148 variant alleles.

GeneDx
Classification: Benign. Last evaluated: 2018-09-21. Review status: criteria provided, single submitter. Criteria: GeneDx Variant Classification Process June 2021. Collection method: clinical testing. Allele origin: germline. Affected: yes.

Illumina Laboratory Services, Illumina
Classification: Benign for Abetalipoproteinaemia. Last evaluated: 2018-01-12. Review status: criteria provided, single submitter. Criteria: ICSL Variant Classification Criteria 13 December 2019. Collection method: clinical testing. Allele origin: germline.
Comment: This variant was observed in the ICSL laboratory as part of a predisposition screen in an ostensibly healthy population. It had not been previously curated by ICSL or reported in the Human Gene Mutation Database (HGMD: prior to June 1st, 2018), and was therefore a candidate for classification through an automated scoring system. Utilizing variant allele frequency, disease prevalence and penetrance estimates, and inheritance mode, an automated score was calculated to assess if this variant is too frequent to cause the disease. Based on the score and internal cut-off values, a variant classified as benign is not then subjected to further curation. The score for this variant resulted in a classification of benign for this disease.

Breakthrough Genomics
Classification: Benign. Review status: criteria provided, single submitter. Criteria: ACMG Guidelines, 2015. Collection method: not provided. Allele origin: germline. Inheritance: Autosomal recessive inheritance. Affected: yes.

Natera, Inc.
Classification: Benign for Abetalipoproteinemia. Last evaluated: 2019-11-22. Review status: no assertion criteria provided. Collection method: clinical testing. Allele origin: germline. Not counted in ClinVar's aggregate classification.

NM_001386140.1(MTTP):c.39C>G (p.Ser13=)

Gene: MTTP (microsomal triglyceride transfer protein; plus strand). Cytogenetic location: 4q23.
Variant type: single nucleotide variant.
Coding change: c.39C>G on transcript NM_001386140.1 (MANE Select); coding-DNA position 39, C replaced by G.
Protein change: p.Ser13=; no amino-acid change (serine 13 retained).
Molecular consequence: synonymous variant. On other transcripts: intron variant (1).
Genome position (GRCh38, 1-based): chr4:99,574,948, C>G. VCF-style: chr4-99574948-C-G. GRCh37 (hg19) VCF-style: chr4-100496105-C-G.
Other names: p.Ser13=; c.39C>G, p.Ser13= (NM_000253.4); c.-188-6957C>G (NM_001300785.2); c.39C>G (NM_000253.3).
Identifiers: ClinVar variation 347019 (VCV000347019.19), dbSNP rs7667001, ClinGen allele CA3021719.